The following is an entry in ClinVar:

ClinVar aggregate classification (germline): Uncertain significance (1 of 4 stars; one submission).

Conditions:
Glycine encephalopathy. Also called: Nonketotic hyperglycinemia; Non-ketotic hyperglycinemia. Identifiers: Orphanet 407, MedGen C0751748, MONDO:0011612, HP:0008288.

Submission:

Labcorp Genetics (formerly Invitae), Labcorp
Classification: Uncertain significance for Glycine encephalopathy. Last evaluated: 2022-05-27. Review status: criteria provided, single submitter. Criteria: Invitae Variant Classification Sherloc (09022015). Collection method: clinical testing. Allele origin: germline.
Comment: This variant is not present in population databases (gnomAD no frequency). In summary, the available evidence is currently insufficient to determine the role of this variant in disease. Therefore, it has been classified as a Variant of Uncertain Significance. Algorithms developed to predict the effect of sequence changes on RNA splicing suggest that this variant may create or strengthen a splice site. This variant has not been reported in the literature in individuals affected with GLDC-related conditions. This sequence change affects codon 611 of the GLDC mRNA. It is a 'silent' change, meaning that it does not change the encoded amino acid sequence of the GLDC protein.

NM_000170.3(GLDC):c.1833C>T (p.Val611=)

Gene: GLDC (glycine decarboxylase; minus strand). Cytogenetic location: 9p24.1.
Variant type: single nucleotide variant.
Coding change: c.1833C>T on transcript NM_000170.3 (MANE Select); coding-DNA position 1833, C replaced by T.
Protein change: p.Val611=; no amino-acid change (valine 611 retained).
Molecular consequence: synonymous variant.
Genome position (GRCh38, 1-based): chr9:6,587,158, G>A on the plus strand (C>T on the coding strand, the complement: GLDC is on the minus strand). VCF-style: chr9-6587158-G-A. GRCh37 (hg19) VCF-style: chr9-6587158-G-A.
Identifiers: ClinVar variation 1999536 (VCV001999536.4), dbSNP rs1818287864, ClinGen allele CA463592005.